The following is an entry in ClinVar:

NM_000492.4(CFTR):c.1584+1G>T

Genes: CFTR (CF transmembrane conductance regulator; plus strand), CFTR-AS1 (CFTR antisense RNA 1; minus strand). Cytogenetic location: 7q31.2.
Variant type: single nucleotide variant.
Coding change: c.1584+1G>T on transcript NM_000492.4 (MANE Select); the canonical splice donor site of the intron after coding-DNA position 1584, G replaced by T.
Molecular consequence: splice donor variant.
Genome position (GRCh38, 1-based): chr7:117,559,656, G>T. VCF-style: chr7-117559656-G-T. GRCh37 (hg19) VCF-style: chr7-117199710-G-T.
Identifiers: ClinVar variation 53286 (VCV000053286.11), dbSNP rs397508230, ClinGen allele CA326538.
Genomic context (GRCh38, chr7:117,559,656, plus strand): 5'-GGTGTTTCCTATGATGAATATAGATACAGAAGCGTCATCAAAGCATGCCAACTAGAAGAG[G>T]TAAGAAACTATGTGAAAACTTTTTGATTATGCATATGAACCCTTCACACTACCCAAATTA-3'

ClinVar aggregate classification (germline): Pathogenic/Likely pathogenic. Review status: criteria provided, multiple submitters, no conflicts (2 of 4 stars). 2 submissions from 2 submitters: Pathogenic (1); Likely pathogenic (1). Last evaluated 2024-09-30.

Conditions:
CFTR-related disorder (CFTR-RD). Also called: CFTR-related disorders; CFTR-related condition. Identifiers: MedGen C5924204, MONDO:7770004.
Cystic fibrosis (CF). Also called: MUCOVISCIDOSIS. Identifiers: Orphanet 586, MedGen C0010674, MONDO:0009061, OMIM 219700. Disease mechanism: loss of function.

Submissions (3):

Natera, Inc.
Classification: Pathogenic for CFTR-related disorders. Last evaluated: 2024-09-30. Review status: criteria provided, single submitter. Criteria: Natera Variant Classification Schema (03/2026). Collection method: clinical testing. Allele origin: germline.
Comment: The c.1584+1G>T variant in CFTR is a canonical splice donor site variant predicted to affect pre-mRNA splicing, which may result in an abnormal transcript and altered protein product. This variant is expected to result in nonsense mediated decay, truncation, or a dysfunctional protein product. This variant is rare in the general population with a frequency below the threshold expected for the associated phenotype(s). This variant has been observed in one or more individuals affected with the associated recessive disease, as either homozygous or compound heterozygous with a second variant (PMID: 29504914). Given the available evidence, this variant is classified as Pathogenic.

Labcorp Genetics (formerly Invitae), Labcorp
Classification: Likely pathogenic for Cystic fibrosis. Last evaluated: 2020-10-20. Review status: criteria provided, single submitter. Criteria: Invitae Variant Classification Sherloc (09022015). Collection method: clinical testing. Allele origin: germline.
Comment: In summary, the currently available evidence indicates that the variant is pathogenic, but additional data are needed to prove that conclusively. Therefore, this variant has been classified as Likely Pathogenic. Algorithms developed to predict the effect of sequence changes on RNA splicing suggest that this variant may disrupt the consensus splice site, but this prediction has not been confirmed by published transcriptional studies. This variant has not been reported in the literature in individuals with CFTR-related conditions. This variant is not present in population databases (ExAC no frequency). This sequence change affects a donor splice site in intron 11 of the CFTR gene. It is expected to disrupt RNA splicing. Variants that disrupt the donor or acceptor splice site typically lead to a loss of protein function (PMID: 16199547), and loss-of-function variants in CFTR are known to be pathogenic (PMID: 1695717, 7691345, 9725922).

Dr. Peter K. Rogan Lab, Western University
No classification provided (evidence only). Condition: Sarcoma. Review status: no classification provided. Collection method: in vitro. Allele origin: not applicable. Functional consequence: retained intron. Not counted in ClinVar's aggregate classification.

Literature cited by the submitters: PubMed 29504914 (cited by Natera, Inc.); PubMed 16199547 (cited by Labcorp Genetics (formerly Invitae), Labcorp); PubMed 1695717 (cited by Labcorp Genetics (formerly Invitae), Labcorp); PubMed 7691345 (cited by Labcorp Genetics (formerly Invitae), Labcorp); PubMed 9725922 (cited by Labcorp Genetics (formerly Invitae), Labcorp).